The following is an entry in ClinVar:

ClinVar aggregate classification (germline): Uncertain significance. Review status: criteria provided, multiple submitters, no conflicts (2 of 4 stars). 2 submissions from 2 submitters: Uncertain significance (2). Last evaluated 2021-11-05.

Conditions:
Hajdu-Cheney syndrome (HJCYS). Also called: ACROOSTEOLYSIS WITH OSTEOPOROSIS AND CHANGES IN SKULL AND MANDIBLE; SERPENTINE FIBULA-POLYCYSTIC KIDNEY SYNDROME; Acroosteolysis dominant type. Identifiers: Orphanet 955, MedGen C0917715, MONDO:0007057, OMIM 102500.
Alagille syndrome due to a NOTCH2 point mutation. Also called: Alagille syndrome 2. Identifiers: Orphanet 261629, Orphanet 52, MedGen C1857761, MONDO:0012439, OMIM 610205.

Allele frequency attached by ClinVar (database versions not stated): gnomAD exomes below 0.00001; TOPMed below 0.00001; gnomAD 0.00001.
gnomAD v4.1: 3 of 1,614,058 alleles (0.00019%); highest among the groups gnomAD compares: African/African-American, 0.004%; no homozygotes.

Submissions (2):

Fulgent Genetics
Classification: Uncertain significance for Hajdu-Cheney syndrome; Alagille syndrome due to a NOTCH2 point mutation. Last evaluated: 2021-11-05. Review status: criteria provided, single submitter. Criteria: ACMG Guidelines, 2015. Collection method: clinical testing. Allele origin: unknown.

Labcorp Genetics (formerly Invitae), Labcorp
Classification: Uncertain significance for Hajdu-Cheney syndrome. Last evaluated: 2021-08-12. Review status: criteria provided, single submitter. Criteria: Invitae Variant Classification Sherloc (09022015). Collection method: clinical testing. Allele origin: germline.
Comment: This sequence change replaces histidine with glutamine at codon 714 of the NOTCH2 protein (p.His714Gln). The histidine residue is moderately conserved and there is a small physicochemical difference between histidine and glutamine. This variant is not present in population databases (ExAC no frequency). In summary, the available evidence is currently insufficient to determine the role of this variant in disease. Therefore, it has been classified as a Variant of Uncertain Significance. Advanced modeling of protein sequence and biophysical properties (such as structural, functional, and spatial information, amino acid conservation, physicochemical variation, residue mobility, and thermodynamic stability) performed at Invitae indicates that this missense variant is not expected to disrupt NOTCH2 protein function. This variant has not been reported in the literature in individuals affected with NOTCH2-related conditions.

NM_024408.4(NOTCH2):c.2142C>G (p.His714Gln)

Gene: NOTCH2 (notch receptor 2; minus strand). Cytogenetic location: 1p12.
Variant type: single nucleotide variant.
Coding change: c.2142C>G on transcript NM_024408.4 (MANE Select); coding-DNA position 2142, C replaced by G.
Protein change: p.His714Gln; replaces histidine 714 with glutamine.
Molecular consequence: missense variant.
Genome position (GRCh38, 1-based): chr1:119,955,117, G>C on the plus strand (C>G on the coding strand, the complement: NOTCH2 is on the minus strand). VCF-style: chr1-119955117-G-C. GRCh37 (hg19) VCF-style: chr1-120497740-G-C.
Other names: c.2142C>G, p.His714Gln (NM_001200001.2); short protein forms H714Q.
Identifiers: ClinVar variation 1463178 (VCV001463178.7), dbSNP rs1553198250, ClinGen allele CA341866342.
Genomic context (GRCh38, chr1:119,955,117, plus strand): 5'-ACAGTTTCCATGGATGCAGGGATTGCTCAGGCATTCGTTCACCTGTGAGTAGCAGCTGGG[G>C]TGATGGGGTCCCTCGGGGCATATACAGCGGAAACCATTCACACCGTTGATACATGTTGCA-3'
Protein context (NP_077719.2, residues 704-724): FRCICPEGPH[His714Gln]PSCYSQVNEC